The following is an entry in ClinVar:

NM_001330574.2(ZNF711):c.368G>C (p.Arg123Thr)

Gene: ZNF711 (ZFX family zinc finger ZNF711; plus strand). Cytogenetic location: Xq21.1.
Variant type: single nucleotide variant.
Coding change: c.368G>C on transcript NM_001330574.2 (MANE Select); coding-DNA position 368, G replaced by C.
Protein change: p.Arg123Thr; replaces arginine 123 with threonine.
Molecular consequence: missense variant.
Genome position (GRCh38, 1-based): chrX:85,255,547, G>C. VCF-style: chrX-85255547-G-C. GRCh37 (hg19) VCF-style: chrX-84510553-G-C.
Other names: c.368G>C, p.Arg123Thr (NM_001375431.1, NM_001375432.1, NM_001375433.1 and 5 more transcripts); short protein forms R123T.
Identifiers: ClinVar variation 3906329 (VCV003906329.2).
Genomic context (GRCh38, chrX:85,255,547, plus strand): 5'-ATTTAGAGGAAGATGATGGTGATCACATCTTGACTTCTGAACTAATTACAGAAACCGTTA[G>C]GGTACCAGAGCAGGTTTTCGTGGCTGACCTTGTTACTGGTCCTAATGGACACTTAGAACA-3'
Protein context (NP_001317503.1, residues 113-133): LTSELITETV[Arg123Thr]VPEQVFVADL

ClinVar aggregate classification (germline): Uncertain significance (1 of 4 stars; one submission).

Submission:

GeneDx
Classification: Uncertain significance. Last evaluated: 2025-12-18. Review status: criteria provided, single submitter. Criteria: GeneDx Variant Classification Process June 2021. Collection method: clinical testing. Allele origin: germline.
Comment: Not observed at significant frequency in large population cohorts (gnomAD); In silico analysis suggests that this missense variant does not alter protein structure/function; Has not been previously published as pathogenic or benign to our knowledge